The following is an entry in ClinVar:

ClinVar aggregate classification (germline): Uncertain significance. Review status: criteria provided, multiple submitters, no conflicts (2 of 4 stars). 2 submissions from 2 submitters: Uncertain significance (2). Last evaluated 2025-05-14.

Allele frequency attached by ClinVar (database versions not stated): gnomAD exomes below 0.00001 and 0.00001; TOPMed 0.00001; ExAC 0.00002; gnomAD 0.00004; ESP Exome Variant Server 0.00008; 1000 Genomes Project 30x 0.00016; 1000 Genomes Project 0.00020.
gnomAD v4.1: 12 of 1,614,160 alleles (0.00074%); highest among the groups gnomAD compares: African/African-American, 0.013%; no homozygotes.

Submissions (2):

Ambry Genetics
Classification: Uncertain significance. Last evaluated: 2025-05-14. Review status: criteria provided, single submitter. Criteria: Ambry Variant Classification Scheme 2023. Collection method: clinical testing. Allele origin: germline.

Labcorp Genetics (formerly Invitae), Labcorp
Classification: Uncertain significance. Last evaluated: 2024-08-19. Review status: criteria provided, single submitter. Criteria: Invitae Variant Classification Sherloc (09022015). Collection method: clinical testing. Allele origin: germline.
Comment: This sequence change replaces isoleucine, which is neutral and non-polar, with methionine, which is neutral and non-polar, at codon 642 of the MYLK3 protein (p.Ile642Met). This variant is present in population databases (rs368567521, gnomAD 0.01%). This variant has not been reported in the literature in individuals affected with MYLK3-related conditions. ClinVar contains an entry for this variant (Variation ID: 1467623). An algorithm developed to predict the effect of missense changes on protein structure and function (PolyPhen-2) suggests that this variant is likely to be disruptive. In summary, the available evidence is currently insufficient to determine the role of this variant in disease. Therefore, it has been classified as a Variant of Uncertain Significance.

NM_182493.3(MYLK3):c.1926A>G (p.Ile642Met)

Gene: MYLK3 (myosin light chain kinase 3; minus strand). Cytogenetic location: 16q11.2.
Variant type: single nucleotide variant.
Coding change: c.1926A>G on transcript NM_182493.3 (MANE Select); coding-DNA position 1926, A replaced by G.
Protein change: p.Ile642Met; replaces isoleucine 642 with methionine.
Molecular consequence: missense variant.
Genome position (GRCh38, 1-based): chr16:46,721,182, T>C on the plus strand (A>G on the coding strand, the complement: MYLK3 is on the minus strand). VCF-style: chr16-46721182-T-C. GRCh37 (hg19) VCF-style: chr16-46755094-T-C.
Other names: c.1926A>G (NM_182493.2); c.903A>G, p.Ile301Met (NM_001308301.1); short protein forms I642M, I301M.
Identifiers: ClinVar variation 1467623 (VCV001467623.9), dbSNP rs368567521, ClinGen allele CA8037794.